The following is an entry in ClinVar:

NM_005228.5(EGFR):c.1508G>A (p.Gly503Asp)

Gene: EGFR (epidermal growth factor receptor; plus strand). Cytogenetic location: 7p11.2.
Variant type: single nucleotide variant.
Coding change: c.1508G>A on transcript NM_005228.5 (MANE Select); coding-DNA position 1508, G replaced by A.
Protein change: p.Gly503Asp; replaces glycine 503 with aspartic acid.
Molecular consequence: missense variant.
Genome position (GRCh38, 1-based): chr7:55,161,508, G>A. VCF-style: chr7-55161508-G-A. GRCh37 (hg19) VCF-style: chr7-55229201-G-A.
Other names: c.1508G>A (NM_005228.3); c.1373G>A, p.Gly458Asp (NM_001346897.2, NM_001346899.2); c.1508G>A, p.Gly503Asp (NM_001346898.2, NM_201282.2, NM_201284.2); c.1349G>A, p.Gly450Asp (NM_001346900.2); c.707G>A, p.Gly236Asp (NM_001346941.2); short protein forms G458D, G236D, G450D, G503D.
Identifiers: ClinVar variation 1467286 (VCV001467286.7), dbSNP rs2128942699, ClinGen allele CA367579779.

ClinVar aggregate classification (germline): Uncertain significance. Review status: criteria provided, multiple submitters, no conflicts (2 of 4 stars). 2 submissions from 2 submitters: Uncertain significance (2). Last evaluated 2025-08-14.

Conditions:
EGFR-related lung cancer (EGFR). Identifiers: MedGen CN130014.
Hereditary cancer-predisposing syndrome. Also called: Tumor predisposition; Hereditary Cancer Syndrome; Hereditary neoplastic syndrome; Neoplastic Syndromes, Hereditary. Identifiers: Orphanet 140162, MedGen C0027672, MeSH D009386, MONDO:0015356.

Allele frequency attached by ClinVar (database versions not stated): gnomAD exomes below 0.00001.
gnomAD v4.1: 2 of 1,614,022 alleles (0.00012%); highest among the groups gnomAD compares: East Asian, 0.0022%; no homozygotes.

Submissions (2):

Ambry Genetics
Classification: Uncertain significance for Hereditary cancer-predisposing syndrome. Last evaluated: 2025-08-14. Review status: criteria provided, single submitter. Criteria: Ambry Variant Classification Scheme 2023. Collection method: clinical testing. Allele origin: germline.
Comment: The p.G503D variant (also known as c.1508G>A), located in coding exon 13 of the EGFR gene, results from a G to A substitution at nucleotide position 1508. The glycine at codon 503 is replaced by aspartic acid, an amino acid with similar properties. This amino acid position is conserved. In addition, this alteration is predicted to be tolerated by in silico analysis. Based on the available evidence, the clinical significance of this variant remains unclear.

Labcorp Genetics (formerly Invitae), Labcorp
Classification: Uncertain significance for EGFR-related lung cancer. Last evaluated: 2021-08-06. Review status: criteria provided, single submitter. Criteria: Invitae Variant Classification Sherloc (09022015). Collection method: clinical testing. Allele origin: germline.
Comment: In summary, the available evidence is currently insufficient to determine the role of this variant in disease. Therefore, it has been classified as a Variant of Uncertain Significance. Algorithms developed to predict the effect of missense changes on protein structure and function output the following: SIFT: "Tolerated"; PolyPhen-2: "Benign"; Align-GVGD: "Class C0". The aspartic acid amino acid residue is found in multiple mammalian species, which suggests that this missense change does not adversely affect protein function. This variant has not been reported in the literature in individuals affected with EGFR-related conditions. This variant is not present in population databases (ExAC no frequency). This sequence change replaces glycine with aspartic acid at codon 503 of the EGFR protein (p.Gly503Asp). The glycine residue is weakly conserved and there is a moderate physicochemical difference between glycine and aspartic acid.